The following is an entry in ClinVar:

ClinVar aggregate classification (germline): Likely benign. Review status: criteria provided, multiple submitters, no conflicts (2 of 4 stars). 3 submissions from 3 submitters: Likely benign (3). Last evaluated 2025-04-24.

Conditions:
NOTCH2-related disorder. Also called: NOTCH2-related condition.
Hajdu-Cheney syndrome (HJCYS). Also called: SERPENTINE FIBULA-POLYCYSTIC KIDNEY SYNDROME; ACROOSTEOLYSIS WITH OSTEOPOROSIS AND CHANGES IN SKULL AND MANDIBLE; Acroosteolysis dominant type. Identifiers: Orphanet 955, MedGen C0917715, MONDO:0007057, OMIM 102500.

Allele frequency attached by ClinVar (database versions not stated): 1000 Genomes Project 30x 0.00016; 1000 Genomes Project 0.00020.
gnomAD v4.1: 53 of 1,614,166 alleles (0.0033%); highest among the groups gnomAD compares: Non-Finnish European, 0.0042%; no homozygotes.

Submissions (3):

Labcorp Genetics (formerly Invitae), Labcorp
Classification: Likely benign for Hajdu-Cheney syndrome. Last evaluated: 2025-04-24. Review status: criteria provided, single submitter. Criteria: Invitae Variant Classification Sherloc (09022015). Collection method: clinical testing. Allele origin: germline.

PreventionGenetics, part of Exact Sciences
Classification: Likely benign for NOTCH2-related condition. Last evaluated: 2024-10-19. Review status: criteria provided, single submitter. Criteria: ACMG Guidelines, 2015. Collection method: clinical testing. Allele origin: germline.
Comment: This variant is classified as likely benign based on ACMG/AMP sequence variant interpretation guidelines (Richards et al. 2015 PMID: 25741868, with internal and published modifications).

Blueprint Genetics
Classification: Likely benign. Last evaluated: 2024-10-02. Review status: criteria provided, single submitter. Criteria: ACMG Guidelines, 2015. Collection method: clinical testing. Allele origin: germline.

NM_024408.4(NOTCH2):c.4758A>G (p.Glu1586=)

Gene: NOTCH2 (notch receptor 2; minus strand). Cytogenetic location: 1p12.
Variant type: single nucleotide variant.
Coding change: c.4758A>G on transcript NM_024408.4 (MANE Select); coding-DNA position 4758, A replaced by G.
Protein change: p.Glu1586=; no amino-acid change (glutamic acid 1586 retained).
Molecular consequence: synonymous variant.
Genome position (GRCh38, 1-based): chr1:119,923,738, T>C on the plus strand (A>G on the coding strand, the complement: NOTCH2 is on the minus strand). VCF-style: chr1-119923738-T-C. GRCh37 (hg19) VCF-style: chr1-120466361-T-C.
Other names: c.4758A>G (NM_024408.3).
Identifiers: ClinVar variation 2911883 (VCV002911883.5), dbSNP rs587597840, ClinGen allele CA1039805.